The following is an entry in ClinVar:

ClinVar aggregate classification (germline): Uncertain significance (1 of 4 stars; one submission).

Allele frequency attached by ClinVar (database versions not stated): gnomAD exomes below 0.00001 and 0.00001.
gnomAD v4.1: 11 of 1,614,194 alleles (0.00068%); highest among the groups gnomAD compares: Non-Finnish European, 0.00093%; no homozygotes.

Submission:

Labcorp Genetics (formerly Invitae), Labcorp
Classification: Uncertain significance. Last evaluated: 2021-01-29. Review status: criteria provided, single submitter. Criteria: Invitae Variant Classification Sherloc (09022015). Collection method: clinical testing. Allele origin: germline.
Comment: In summary, the available evidence is currently insufficient to determine the role of this variant in disease. Therefore, it has been classified as a Variant of Uncertain Significance. Algorithms developed to predict the effect of missense changes on protein structure and function (SIFT, PolyPhen-2, Align-GVGD) all suggest that this variant is likely to be tolerated, but these predictions have not been confirmed by published functional studies and their clinical significance is uncertain. This variant has not been reported in the literature in individuals with PRPF4-related conditions. This variant is not present in population databases (ExAC no frequency). This sequence change replaces leucine with isoleucine at codon 436 of the PRPF4 protein (p.Leu436Ile). The leucine residue is highly conserved and there is a small physicochemical difference between leucine and isoleucine.

NM_001244926.2(PRPF4):c.1303C>A (p.Leu435Ile)

Gene: PRPF4 (pre-mRNA splicing tri-snRNP complex factor PRPF4; plus strand). Cytogenetic location: 9q32.
Variant type: single nucleotide variant.
Coding change: c.1303C>A on transcript NM_001244926.2 (MANE Select); coding-DNA position 1303, C replaced by A.
Protein change: p.Leu435Ile; replaces leucine 435 with isoleucine.
Molecular consequence: missense variant. On other transcripts: non-coding transcript variant (2).
Genome position (GRCh38, 1-based): chr9:113,290,947, C>A. VCF-style: chr9-113290947-C-A. GRCh37 (hg19) VCF-style: chr9-116053227-C-A.
Other names: c.577C>A, p.Leu193Ile (NM_001322266.2, NM_001322267.2); c.1306C>A, p.Leu436Ile (NM_004697.5); short protein forms L193I, L435I, L436I.
Identifiers: ClinVar variation 1394711 (VCV001394711.8), dbSNP rs1191717636, ClinGen allele CA374555784.